The following is an entry in ClinVar:

ClinVar aggregate classification (germline): Pathogenic/Likely pathogenic. Review status: criteria provided, multiple submitters, no conflicts (2 of 4 stars). 5 submissions from 5 submitters: Pathogenic (3); Likely pathogenic (1). 1 of the submissions does not count toward it. Last evaluated 2023-08-14.

Conditions:
AGL-related disorder. Also called: AGL-related condition.
Glycogen storage disease type III (GSD3). Also called: Cori disease; FORBES DISEASE. Identifiers: Orphanet 366, MedGen C0017922, MONDO:0009291, OMIM 232400.

Submissions (5):

Labcorp Genetics (formerly Invitae), Labcorp
Classification: Pathogenic for Glycogen storage disease type III. Last evaluated: 2023-08-14. Review status: criteria provided, single submitter. Criteria: Invitae Variant Classification Sherloc (09022015). Collection method: clinical testing. Allele origin: germline.
Comment: For these reasons, this variant has been classified as Pathogenic. ClinVar contains an entry for this variant (Variation ID: 556408). This premature translational stop signal has been observed in individual(s) with glycogen storage disease III (PMID: 23430490). The frequency data for this variant in the population databases is considered unreliable, as metrics indicate poor data quality at this position in the gnomAD database. This sequence change creates a premature translational stop signal (p.Asn1304Ilefs*10) in the AGL gene. It is expected to result in an absent or disrupted protein product. Loss-of-function variants in AGL are known to be pathogenic (PMID: 19299494).

Genome-Nilou Lab
Classification: Likely pathogenic for Glycogen storage disease type III. Last evaluated: 2023-04-11. Review status: criteria provided, single submitter. Criteria: ACMG Guidelines, 2015. Collection method: clinical testing. Allele origin: germline. Affected: no.

Genetics and Molecular Pathology, SA Pathology
Classification: Pathogenic for Glycogen storage disease type III. Last evaluated: 2022-10-18. Review status: criteria provided, single submitter. Criteria: ACMG Guidelines, 2015. Collection method: clinical testing. Allele origin: germline. Inheritance: Autosomal recessive inheritance. Affected: yes.
Comment: The AGL c.3911del variant is classified as PATHOGENIC (PVS1, PM2, PP4) This AGL c.3911del variant is located in exon 29/34 and is predicted to cause a shift in the reading frame at codon 1304, truncating a significant proportion of the wild type AGL protein which is 1532 amino acids in length (PVS1). The variant is rare in population databases (gnomAD allele frequency = 0.0013%; 2 het and 0 hom in 151,528 sequenced alleles) (PM2). The variant has been reported in dbSNP (rs745757264) and in the HGMD database (2022.3): CD128736. It has been reported as likely pathogenic by other diagnostic laboratories (ClinVar Variation ID: 556408). Enzymatic analysis demonstrated no GDE activity, and the authors predict the variant to be pathogenic. (PMID: 23430490) (PP4).

Blueprint Genetics
Classification: Pathogenic for AGL-related disorders. Last evaluated: 2020-04-21. Review status: criteria provided, single submitter. Criteria: ACMG Guidelines, 2015. Collection method: clinical testing. Allele origin: germline. Affected: yes. Observed: 1 variant allele.

Counsyl
Classification: Likely pathogenic for Glycogen storage disease type III. Last evaluated: 2018-01-30. Review status: no assertion criteria provided. Collection method: clinical testing. Allele origin: unknown. Not counted in ClinVar's aggregate classification.

Literature cited by the submitters: PubMed 23430490 (cited by 3 submitters); PubMed 19299494 (cited by Labcorp Genetics (formerly Invitae), Labcorp).

NM_000642.3(AGL):c.3911del (p.Asn1304fs)

Gene: AGL (amylo-alpha-1,6-glucosidase and 4-alpha-glucanotransferase; plus strand). Cytogenetic location: 1p21.2.
Variant type: Deletion.
Coding change: c.3911del on transcript NM_000642.3 (MANE Select); coding-DNA position 3911, one base deleted (A; older notation c.3911delA).
Protein change: p.Asn1304fs; shifts the reading frame from asparagine 1304.
Molecular consequence: frameshift variant.
Genome position (GRCh38, 1-based): chr1:99,912,479, A deleted; the last of 8 consecutive A bases (chr1:99,912,472-99,912,479); deleting any one gives the same sequence. VCF-style (leftmost placement, unchanged base first): chr1-99912471-CA-C. GRCh37 (hg19) VCF-style: chr1-100378027-CA-C.
Other names: c.3911delA, p.Asn1304Ilefs (NM_000028.3, NM_000643.3, NM_000644.3 and 1 more transcripts); c.3863delA, p.Asn1288Ilefs (NM_000646.3); c.3890delA, p.Asn1297Ilefs (NM_001425326.1); c.3710delA, p.Asn1237Ilefs (NM_001425327.1); c.3707delA, p.Asn1236Ilefs (NM_001425328.1); c.3572delA, p.Asn1191Ilefs (NM_001425329.1); c.3533delA, p.Asn1178Ilefs (NM_001425332.1); c.3911delA (NM_000642.3); short protein forms N1288fs, N1304fs.
Identifiers: ClinVar variation 556408 (VCV000556408.11), dbSNP rs745757264, ClinGen allele CA967259.